The following is an entry in ClinVar:

NM_006208.3(ENPP1):c.958T>C (p.Phe320Leu)

Gene: ENPP1 (ectonucleotide pyrophosphatase/phosphodiesterase 1; plus strand). Cytogenetic location: 6q23.2.
Variant type: single nucleotide variant.
Coding change: c.958T>C on transcript NM_006208.3 (MANE Select); coding-DNA position 958, T replaced by C.
Protein change: p.Phe320Leu; replaces phenylalanine 320 with leucine.
Molecular consequence: missense variant.
Genome position (GRCh38, 1-based): chr6:131,861,637, T>C. VCF-style: chr6-131861637-T-C. GRCh37 (hg19) VCF-style: chr6-132182777-T-C.
Other names: c.958T>C (NM_006208.2); short protein forms F320L.
Identifiers: ClinVar variation 2972029 (VCV002972029.4), dbSNP rs1320551672, ClinGen allele CA365669221.
Genomic context (GRCh38, chr6:131,861,637, plus strand): 5'-CTTCATTTTCTGCTCCAGATTTGGGTCACAGCTAAGTATCAAGGCCTCAAGTCTGGCACA[T>C]TTTTCTGGCCAGGATCAGATGTGGAAATTAACGGAATTTTCCCAGACATCTATAAAATGT-3'
Protein context (NP_006199.2, residues 310-330): AKYQGLKSGT[Phe320Leu]FWPGSDVEIN

ClinVar aggregate classification (germline): Uncertain significance. Review status: criteria provided, multiple submitters, no conflicts (2 of 4 stars). 2 submissions from 2 submitters: Uncertain significance (2). Last evaluated 2025-06-12.

Conditions:
Inborn genetic diseases. Identifiers: MedGen C0950123, MeSH D030342.

Allele frequency attached by ClinVar (database versions not stated): TOPMed 0.00001.
gnomAD v4.1: 2 of 1,613,282 alleles (0.00012%); highest among the groups gnomAD compares: Non-Finnish European, 0.00017%; no homozygotes.

Submissions (2):

Ambry Genetics
Classification: Uncertain significance for Inborn genetic diseases. Last evaluated: 2025-06-12. Review status: criteria provided, single submitter. Criteria: Ambry Variant Classification Scheme 2023. Collection method: clinical testing. Allele origin: germline.

Labcorp Genetics (formerly Invitae), Labcorp
Classification: Uncertain significance. Last evaluated: 2024-07-15. Review status: criteria provided, single submitter. Criteria: Invitae Variant Classification Sherloc (09022015). Collection method: clinical testing. Allele origin: germline.
Comment: This sequence change replaces phenylalanine, which is neutral and non-polar, with leucine, which is neutral and non-polar, at codon 320 of the ENPP1 protein (p.Phe320Leu). This variant is not present in population databases (gnomAD no frequency). This variant has not been reported in the literature in individuals affected with ENPP1-related conditions. Advanced modeling of protein sequence and biophysical properties (such as structural, functional, and spatial information, amino acid conservation, physicochemical variation, residue mobility, and thermodynamic stability) performed at Invitae indicates that this missense variant is not expected to disrupt ENPP1 protein function with a negative predictive value of 80%. In summary, the available evidence is currently insufficient to determine the role of this variant in disease. Therefore, it has been classified as a Variant of Uncertain Significance.